The following is an entry in ClinVar:

NM_001458.5(FLNC):c.5903A>C (p.Lys1968Thr)

Genes: FLNC-AS1 (FLNC antisense RNA 1; minus strand), FLNC (filamin C; plus strand). Cytogenetic location: 7q32.1.
Variant type: single nucleotide variant.
Coding change: c.5903A>C on transcript NM_001458.5 (MANE Select); coding-DNA position 5903, A replaced by C.
Protein change: p.Lys1968Thr; replaces lysine 1968 with threonine.
Molecular consequence: missense variant.
Genome position (GRCh38, 1-based): chr7:128,852,651, A>C. VCF-style: chr7-128852651-A-C. GRCh37 (hg19) VCF-style: chr7-128492705-A-C.
Other names: c.5804A>C, p.Lys1935Thr (NM_001127487.2); short protein forms K1935T, K1968T.
Identifiers: ClinVar variation 1023624 (VCV001023624.10), dbSNP rs777028481, ClinGen allele CA4475829.

ClinVar aggregate classification (germline): Conflicting classifications of pathogenicity. Review status: criteria provided, conflicting classifications (1 of 4 stars). 2 submissions from 2 submitters: Uncertain significance (1); Likely benign (1). Last evaluated 2025-08-28.

Conditions:
Cardiovascular phenotype. Identifiers: MedGen CN230736.
Distal myopathy with posterior leg and anterior hand involvement. Also called: WILLIAMS DISTAL MYOPATHY. Identifiers: Orphanet 63273, MedGen C3279722, MONDO:0013550, OMIM 614065.
Hypertrophic cardiomyopathy 26. Also called: Cardiomyopathy, familial hypertrophic, 26. Identifiers: Orphanet 75249, MedGen C4310749, MONDO:0014883, OMIM 617047.
Myofibrillar myopathy 5. Also called: FILAMINOPATHY, AUTOSOMAL DOMINANT; Filaminopathy (type). Identifiers: Orphanet 171445, MedGen C1836050, MONDO:0012289, OMIM 609524.

Allele frequency attached by ClinVar (database versions not stated): gnomAD 0.00001; TOPMed 0.00001; ExAC 0.00002; gnomAD exomes 0.00002 and 0.00003.
gnomAD v4.1: 31 of 1,613,130 alleles (0.0019%); highest among the groups gnomAD compares: Admixed American, 0.0067%; no homozygotes.

Submissions (2):

Labcorp Genetics (formerly Invitae), Labcorp
Classification: Likely benign for Distal myopathy with posterior leg and anterior hand involvement; Myofibrillar myopathy 5; Hypertrophic cardiomyopathy 26. Last evaluated: 2025-08-28. Review status: criteria provided, single submitter. Criteria: Invitae Variant Classification Sherloc (09022015). Collection method: clinical testing. Allele origin: germline.

Ambry Genetics
Classification: Uncertain significance for Cardiovascular phenotype. Last evaluated: 2025-03-28. Review status: criteria provided, single submitter. Criteria: Ambry Variant Classification Scheme 2023. Collection method: clinical testing. Allele origin: germline.
Comment: The p.K1968T variant (also known as c.5903A>C), located in coding exon 36 of the FLNC gene, results from an A to C substitution at nucleotide position 5903. The lysine at codon 1968 is replaced by threonine, an amino acid with similar properties. This amino acid position is well conserved in available vertebrate species. In addition, this alteration is predicted to be tolerated by in silico analysis. Since supporting evidence is limited at this time, the clinical significance of this alteration remains unclear.